The following is an entry in ClinVar:

ClinVar aggregate classification (germline): Conflicting classifications of pathogenicity. Review status: criteria provided, conflicting classifications (1 of 4 stars). 4 submissions from 4 submitters: Uncertain significance (1); Likely benign (3). Last evaluated 2026-09-15.

Conditions:
CACNA1C-related disorder. Also called: CACNA1C-related disorders; CACNA1C-related condition. Identifiers: MedGen CN381092, MONDO:0700321.
Cardiovascular phenotype. Identifiers: MedGen CN230736.
Long QT syndrome (LQTS). Identifiers: MedGen C0023976, MeSH D008133, MONDO:0002442. Disease mechanism: loss of function. Inheritance: Various modes of inheritance.

Allele frequency attached by ClinVar (database versions not stated): gnomAD exomes 0.00001 and 0.00005; gnomAD 0.00009 and 0.00008; ESP Exome Variant Server 0.00016; TOPMed 0.00011; ExAC 0.00008.
gnomAD v4.1: 32 of 1,611,218 alleles (0.002%); highest among the groups gnomAD compares: African/African-American, 0.021%; no homozygotes.

Submissions (4):

PreventionGenetics, part of Exact Sciences
Classification: Likely benign for CACNA1C-related condition. Last evaluated: 2026-09-15. Review status: criteria provided, single submitter. Criteria: ACMG Guidelines, 2015. Collection method: clinical testing. Allele origin: germline.
Comment: This variant is classified as likely benign based on ACMG/AMP sequence variant interpretation guidelines (Richards et al. 2015 PMID: 25741868, with internal and published modifications).

Labcorp Genetics (formerly Invitae), Labcorp
Classification: Likely benign for Long QT syndrome. Last evaluated: 2026-01-04. Review status: criteria provided, single submitter. Criteria: Invitae Variant Classification Sherloc (09022015). Collection method: clinical testing. Allele origin: germline.

Ambry Genetics
Classification: Likely benign for Cardiovascular phenotype. Last evaluated: 2018-09-18. Review status: criteria provided, single submitter. Criteria: Ambry Variant Classification Scheme 2023. Collection method: clinical testing. Allele origin: germline.

Eurofins Ntd Llc (ga)
Classification: Uncertain significance. Last evaluated: 2015-07-30. Review status: criteria provided, single submitter. Criteria: EGL Classification Definitions 2015. Collection method: clinical testing. Allele origin: germline. Observed: 1 variant allele, 1 heterozygote.

NM_000719.7(CACNA1C):c.1341C>T (p.Ile447=)

Gene: CACNA1C (calcium voltage-gated channel subunit alpha1 C; plus strand). Cytogenetic location: 12p13.33.
Variant type: single nucleotide variant.
Coding change: c.1341C>T on transcript NM_000719.7 (MANE Select); coding-DNA position 1341, C replaced by T.
Protein change: p.Ile447=; no amino-acid change (isoleucine 447 retained).
Molecular consequence: synonymous variant.
Genome position (GRCh38, 1-based): chr12:2,512,935, C>T. VCF-style: chr12-2512935-C-T. GRCh37 (hg19) VCF-style: chr12-2622101-C-T.
Other names: c.1341C>T, p.Ile447= (NM_001129827.2, NM_001129829.2, NM_001129830.3 and 18 more transcripts); c.1332C>T, p.Ile444= (NM_001129844.2).
Identifiers: ClinVar variation 282043 (VCV000282043.18), dbSNP rs377643814, ClinGen allele CA6388685.